The following is an entry in ClinVar:

NM_030777.4(SLC2A10):c.504C>T (p.Phe168=)

Gene: SLC2A10 (solute carrier family 2 member 10; plus strand). Cytogenetic location: 20q13.12.
Variant type: single nucleotide variant.
Coding change: c.504C>T on transcript NM_030777.4 (MANE Select); coding-DNA position 504, C replaced by T.
Protein change: p.Phe168=; no amino-acid change (phenylalanine 168 retained).
Molecular consequence: synonymous variant.
Genome position (GRCh38, 1-based): chr20:46,725,540, C>T. VCF-style: chr20-46725540-C-T. GRCh37 (hg19) VCF-style: chr20-45354179-C-T.
Identifiers: ClinVar variation 510949 (VCV000510949.12), dbSNP rs540023880, ClinGen allele CA9891988.
Genomic context (GRCh38, chr20:46,725,540, plus strand): 5'-GCTCTCCTATGCCCTCAACTATGCACTGGCTGGTACCCCCTGGGGATGGAGGCACATGTT[C>T]GGCTGGGCCACTGCACCTGCTGTCCTGCAATCCCTCAGCCTCCTCTTCCTCCCTGCTGGT-3'
Protein context (NP_110404.1, residues 158-178): AGTPWGWRHM[Phe168=]GWATAPAVLQ

ClinVar aggregate classification (germline): Likely benign. Review status: criteria provided, multiple submitters, no conflicts (2 of 4 stars). 4 submissions from 4 submitters: Likely benign (3). 1 of the submissions does not count toward it. Last evaluated 2024-05-02.

Conditions:
SLC2A10-related disorder. Also called: SLC2A10-related condition.
Familial thoracic aortic aneurysm and aortic dissection (TAAD). Also called: Thoracic aortic aneurysms and dissections. Identifiers: Orphanet 91387, MedGen C4707243, MONDO:0019625.
Arterial tortuosity syndrome (ATORS). Identifiers: Orphanet 3342, MedGen C1859726, MONDO:0008818, OMIM 208050.

Allele frequency attached by ClinVar (database versions not stated): TOPMed 0.00002.
gnomAD v4.1: 12 of 1,614,054 alleles (0.00074%); highest among the groups gnomAD compares: Non-Finnish European, 0.001%; no homozygotes.

Submissions (4):

Labcorp Genetics (formerly Invitae), Labcorp
Classification: Likely benign for Arterial tortuosity syndrome. Last evaluated: 2024-05-02. Review status: criteria provided, single submitter. Criteria: Invitae Variant Classification Sherloc (09022015). Collection method: clinical testing. Allele origin: germline.

Ambry Genetics
Classification: Likely benign for Familial thoracic aortic aneurysm and aortic dissection. Last evaluated: 2017-08-29. Review status: criteria provided, single submitter. Criteria: Ambry Variant Classification Scheme 2023. Collection method: clinical testing. Allele origin: germline.

GeneDx
Classification: Likely benign. Last evaluated: 2017-07-24. Review status: criteria provided, single submitter. Criteria: GeneDx Variant Classification (06012015). Collection method: clinical testing. Allele origin: germline. Affected: yes.
Comment: This variant is considered likely benign or benign based on one or more of the following criteria: it is a conservative change, it occurs at a poorly conserved position in the protein, it is predicted to be benign by multiple in silico algorithms, and/or has population frequency not consistent with disease.

PreventionGenetics, part of Exact Sciences
Classification: Likely benign for SLC2A10-related condition. Last evaluated: 2021-04-06. Review status: no assertion criteria provided. Collection method: clinical testing. Allele origin: germline. Not counted in ClinVar's aggregate classification.
Comment: This variant is classified as likely benign based on ACMG/AMP sequence variant interpretation guidelines (Richards et al. 2015 PMID: 25741868, with internal and published modifications).